The following is an entry in ClinVar:

ClinVar aggregate classification (germline): Conflicting classifications of pathogenicity. Review status: criteria provided, conflicting classifications (1 of 4 stars). 2 submissions from 2 submitters: Uncertain significance (1); Likely benign (1). Last evaluated 2024-10-13.

Conditions:
Charcot-Marie-Tooth disease dominant intermediate C (CMTDIC). Also called: CHARCOT-MARIE-TOOTH NEUROPATHY, DOMINANT INTERMEDIATE C. Identifiers: Orphanet 100045, MedGen C1842237, MONDO:0012012, OMIM 608323.

Allele frequency attached by ClinVar (database versions not stated): gnomAD exomes below 0.00001; gnomAD 0.00002; TOPMed 0.00003.
gnomAD v4.1: 4 of 1,614,064 alleles (0.00025%); highest among the groups gnomAD compares: Non-Finnish European, 0.00034%; no homozygotes.

Submissions (2):

Labcorp Genetics (formerly Invitae), Labcorp
Classification: Likely benign for Charcot-Marie-Tooth disease dominant intermediate C. Last evaluated: 2024-10-13. Review status: criteria provided, single submitter. Criteria: Invitae Variant Classification Sherloc (09022015). Collection method: clinical testing. Allele origin: germline.

GeneDx
Classification: Uncertain significance. Last evaluated: 2023-02-08. Review status: criteria provided, single submitter. Criteria: GeneDx Variant Classification Process June 2021. Collection method: clinical testing. Allele origin: germline. Affected: yes.
Comment: Not observed at significant frequency in large population cohorts (gnomAD); In silico analysis supports that this variant does not alter splicing; Has not been previously published as pathogenic or benign to our knowledge

NM_003680.4(YARS1):c.45C>T (p.Thr15=)

Genes: S100PBP (S100P binding protein; plus strand), YARS1 (tyrosyl-tRNA synthetase 1; minus strand). Cytogenetic location: 1p35.1.
Variant type: single nucleotide variant.
Coding change: c.45C>T on transcript NM_003680.4 (MANE Select); coding-DNA position 45, C replaced by T.
Protein change: p.Thr15=; no amino-acid change (threonine 15 retained).
Molecular consequence: synonymous variant.
Genome position (GRCh38, 1-based): chr1:32,817,200, G>A on the plus strand (C>T on the coding strand, the complement: YARS1 is on the minus strand). VCF-style: chr1-32817200-G-A. GRCh37 (hg19) VCF-style: chr1-33282801-G-A.
Other names: c.45C>T (NM_003680.3).
Identifiers: ClinVar variation 1102663 (VCV001102663.9), dbSNP rs1488727812, ClinGen allele CA417071934.